The following is an entry in ClinVar:

NM_005918.4(MDH2):c.677T>A (p.Leu226His)

Gene: MDH2 (malate dehydrogenase 2; plus strand). Cytogenetic location: 7q11.23.
Variant type: single nucleotide variant.
Coding change: c.677T>A on transcript NM_005918.4 (MANE Select); coding-DNA position 677, T replaced by A.
Protein change: p.Leu226His; replaces leucine 226 with histidine.
Molecular consequence: missense variant.
Genome position (GRCh38, 1-based): chr7:76,064,382, T>A. VCF-style: chr7-76064382-T-A. GRCh37 (hg19) VCF-style: chr7-75693700-T-A.
Other names: c.551T>A, p.Leu184His (NM_001282403.2); c.356T>A, p.Leu119His (NM_001282404.2); short protein forms L119H, L184H, L226H.
Identifiers: ClinVar variation 2447845 (VCV002447845.2), dbSNP rs2535871656, ClinGen allele CA367767392.

ClinVar aggregate classification (germline): Uncertain significance (1 of 4 stars; one submission).

Conditions:
Inborn genetic diseases. Identifiers: MedGen C0950123, MeSH D030342.

Submission:

Ambry Genetics
Classification: Uncertain significance for Inborn genetic diseases. Last evaluated: 2023-02-28. Review status: criteria provided, single submitter. Criteria: Ambry Variant Classification Scheme 2023. Collection method: clinical testing. Allele origin: germline.
Comment: The p.L226H variant (also known as c.677T>A), located in coding exon 7 of the MDH2 gene, results from a T to A substitution at nucleotide position 677. The leucine at codon 226 is replaced by histidine, an amino acid with similar properties. This amino acid position is conserved. In addition, this alteration is predicted to be deleterious by in silico analysis. Since supporting evidence is limited at this time, the clinical significance of this alteration remains unclear.